The following is an entry in ClinVar:

NM_032043.3(BRIP1):c.3420dup (p.Asp1141fs)

Gene: BRIP1 (BRCA1 interacting DNA helicase 1; minus strand). Cytogenetic location: 17q23.2.
Variant type: Duplication.
Coding change: c.3420dup on transcript NM_032043.3 (MANE Select); coding-DNA position 3420, one base duplicated (A; older notation c.3420dupA).
Protein change: p.Asp1141fs; shifts the reading frame from aspartic acid 1141.
Molecular consequence: frameshift variant.
Genome position (GRCh38, 1-based): chr17:61,683,626, T duplicated on the plus strand (A on the coding strand, the reverse complement: BRIP1 is on the minus strand); the first of 2 consecutive T bases (chr17:61,683,626-61,683,627); duplicating either gives the same sequence. VCF-style (leftmost placement, unchanged base first): chr17-61683625-C-CT. GRCh37 (hg19) VCF-style: chr17-59760986-C-CT.
Other names: short protein forms D1141fs.
Identifiers: ClinVar variation 2946040 (VCV002946040.3), dbSNP rs2544556039, ClinGen allele CA2740093829.

ClinVar aggregate classification (germline): Uncertain significance (1 of 4 stars; one submission).

Conditions:
Fanconi anemia complementation group J. Also called: BRIP1-Related Fanconi Anemia. Identifiers: Orphanet 84, MedGen C1836860, MONDO:0012187, OMIM 609054.
Familial cancer of breast. Also called: BREAST CANCER, FAMILIAL; Hereditary breast cancer; hereditary breast carcinoma. Identifiers: Orphanet 227535, MedGen C0346153, MONDO:0016419, OMIM 114480. Disease mechanism: loss of function.

Submission:

Labcorp Genetics (formerly Invitae), Labcorp
Classification: Uncertain significance for Familial cancer of breast; Fanconi anemia complementation group J. Last evaluated: 2023-04-01. Review status: criteria provided, single submitter. Criteria: Invitae Variant Classification Sherloc (09022015). Collection method: clinical testing. Allele origin: germline.
Comment: This sequence change creates a premature translational stop signal (p.Asp1141Argfs*4) in the BRIP1 gene. While this is not anticipated to result in nonsense mediated decay, it is expected to disrupt the last 109 amino acid(s) of the BRIP1 protein. This variant is not present in population databases (gnomAD no frequency). This variant has not been reported in the literature in individuals affected with BRIP1-related conditions. Experimental studies and prediction algorithms are not available or were not evaluated, and the functional significance of this variant is currently unknown. In summary, the available evidence is currently insufficient to determine the role of this variant in disease. Therefore, it has been classified as a Variant of Uncertain Significance.